The following is an entry in ClinVar:

NM_005445.4(SMC3):c.1973T>A (p.Val658Asp)

Gene: SMC3 (structural maintenance of chromosomes 3; plus strand). Cytogenetic location: 10q25.2.
Variant type: single nucleotide variant.
Coding change: c.1973T>A on transcript NM_005445.4 (MANE Select); coding-DNA position 1973, T replaced by A.
Protein change: p.Val658Asp; replaces valine 658 with aspartic acid.
Molecular consequence: missense variant.
Genome position (GRCh38, 1-based): chr10:110,596,407, T>A. VCF-style: chr10-110596407-T-A. GRCh37 (hg19) VCF-style: chr10-112356165-T-A.
Other names: short protein forms V658D.
Identifiers: ClinVar variation 2570776 (VCV002570776.27), dbSNP rs2493138145, ClinGen allele CA378391642.

ClinVar aggregate classification (germline): Likely pathogenic (1 of 4 stars; one submission).

Submission:

CeGaT Center for Human Genetics Tuebingen
Classification: Likely pathogenic. Last evaluated: 2023-06-01. Review status: criteria provided, single submitter. Criteria: CeGaT Center For Human Genetics Tuebingen Variant Classification Criteria Version 2. Collection method: clinical testing. Allele origin: germline. Affected: yes. Observed: 1 variant allele.
Comment: SMC3: PS2, PM2, PP2, PP3